The following is an entry in ClinVar:

ClinVar aggregate classification (germline): Uncertain significance (1 of 4 stars; one submission).

Submission:

GeneDx
Classification: Uncertain significance. Last evaluated: 2024-05-31. Review status: criteria provided, single submitter. Criteria: GeneDx Variant Classification Process June 2021. Collection method: clinical testing. Allele origin: germline. Affected: yes.
Comment: Not observed at significant frequency in large population cohorts (gnomAD); In silico analysis supports that this missense variant has a deleterious effect on protein structure/function; Has not been previously published as pathogenic or benign to our knowledge

NM_020338.4(ZMIZ1):c.2303C>T (p.Ser768Leu)

Genes: ZMIZ1 (zinc finger MIZ-type containing 1; plus strand), LOC126860975 (CDK7 strongly-dependent group 2 enhancer GRCh37_chr10:81064163-81065362; plus strand). Cytogenetic location: 10q22.3.
Variant type: single nucleotide variant.
Coding change: c.2303C>T on transcript NM_020338.4 (MANE Select); coding-DNA position 2303, C replaced by T.
Protein change: p.Ser768Leu; replaces serine 768 with leucine.
Molecular consequence: missense variant.
Genome position (GRCh38, 1-based): chr10:79,305,180, C>T. VCF-style: chr10-79305180-C-T. GRCh37 (hg19) VCF-style: chr10-81064937-C-T.
Other names: short protein forms S768L.
Identifiers: ClinVar variation 1712191 (VCV001712191.3), dbSNP rs2492190427, ClinGen allele CA377341763.